The following is an entry in ClinVar:

NM_022356.4(P3H1):c.2050G>A (p.Glu684Lys)

Gene: P3H1 (prolyl 3-hydroxylase 1; minus strand). Cytogenetic location: 1p34.2.
Variant type: single nucleotide variant.
Coding change: c.2050G>A on transcript NM_022356.4 (MANE Select); coding-DNA position 2050, G replaced by A.
Protein change: p.Glu684Lys; replaces glutamic acid 684 with lysine.
Molecular consequence: missense variant.
Genome position (GRCh38, 1-based): chr1:42,747,277, C>T on the plus strand (G>A on the coding strand, the complement: P3H1 is on the minus strand). VCF-style: chr1-42747277-C-T. GRCh37 (hg19) VCF-style: chr1-43212948-C-T.
Other names: c.2050G>A, p.Glu684Lys (NM_001146289.2, NM_001243246.2); short protein forms E684K.
Identifiers: ClinVar variation 951822 (VCV000951822.8), dbSNP rs759714439, ClinGen allele CA801615.

ClinVar aggregate classification (germline): Uncertain significance. Review status: criteria provided, multiple submitters, no conflicts (2 of 4 stars). 2 submissions from 2 submitters: Uncertain significance (2). Last evaluated 2025-10-18.

Conditions:
Osteogenesis imperfecta type 8 (OI8). Identifiers: MedGen C1970458, MONDO:0012581, OMIM 610915.
Inborn genetic diseases. Identifiers: MedGen C0950123, MeSH D030342.

Allele frequency attached by ClinVar (database versions not stated): gnomAD 0.00001; TOPMed 0.00001; ExAC 0.00003; gnomAD exomes 0.00003 and 0.00004.
gnomAD v4.1: 40 of 1,613,868 alleles (0.0025%); highest among the groups gnomAD compares: East Asian, 0.0045%; no homozygotes.

Submissions (2):

Ambry Genetics
Classification: Uncertain significance for Inborn genetic diseases. Last evaluated: 2025-10-18. Review status: criteria provided, single submitter. Criteria: Ambry Variant Classification Scheme 2023. Collection method: clinical testing. Allele origin: germline.

Labcorp Genetics (formerly Invitae), Labcorp
Classification: Uncertain significance for Osteogenesis imperfecta type 8. Last evaluated: 2022-07-27. Review status: criteria provided, single submitter. Criteria: Invitae Variant Classification Sherloc (09022015). Collection method: clinical testing. Allele origin: germline.
Comment: This sequence change replaces glutamic acid, which is acidic and polar, with lysine, which is basic and polar, at codon 684 of the P3H1 protein (p.Glu684Lys). This variant is present in population databases (rs759714439, gnomAD 0.006%). This variant has not been reported in the literature in individuals affected with P3H1-related conditions. ClinVar contains an entry for this variant (Variation ID: 951822). Algorithms developed to predict the effect of missense changes on protein structure and function are either unavailable or do not agree on the potential impact of this missense change (SIFT: "Deleterious"; PolyPhen-2: "Probably Damaging"; Align-GVGD: "Class C0"). In summary, the available evidence is currently insufficient to determine the role of this variant in disease. Therefore, it has been classified as a Variant of Uncertain Significance.